The following is an entry in ClinVar:

NM_000038.6(APC):c.1562C>G (p.Ser521Cys)

Gene: APC (APC regulator of Wnt signaling pathway; plus strand). Cytogenetic location: 5q22.2.
Variant type: single nucleotide variant.
Coding change: c.1562C>G on transcript NM_000038.6 (MANE Select); coding-DNA position 1562, C replaced by G.
Protein change: p.Ser521Cys; replaces serine 521 with cysteine.
Molecular consequence: missense variant.
Genome position (GRCh38, 1-based): chr5:112,827,942, C>G. VCF-style: chr5-112827942-C-G. GRCh37 (hg19) VCF-style: chr5-112163639-C-G.
Other names: c.1562C>G, p.Ser521Cys (NM_001127510.3, NM_001354895.2); c.1508C>G, p.Ser503Cys (NM_001127511.3); c.1616C>G, p.Ser539Cys (NM_001354896.2); c.1592C>G, p.Ser531Cys (NM_001354897.2); c.1487C>G, p.Ser496Cys (NM_001354898.2); c.1478C>G, p.Ser493Cys (NM_001354899.2); c.1439C>G, p.Ser480Cys (NM_001354900.2); c.1385C>G, p.Ser462Cys (NM_001354901.2); and 5 more; short protein forms S503C, S521C, S420C, S493C, S361C, S395C, S430C, S539C.
Identifiers: ClinVar variation 490214 (VCV000490214.22), dbSNP rs1554081882, ClinGen allele CA16024719.

ClinVar aggregate classification (germline): Uncertain significance. Review status: criteria provided, multiple submitters, no conflicts (2 of 4 stars). 5 submissions from 5 submitters: Uncertain significance (5). Last evaluated 2025-11-10.

Conditions:
APC-Associated Polyposis Disorders.
Familial adenomatous polyposis 1 (FAP1). Also called: POLYPOSIS, ADENOMATOUS INTESTINAL; FAMILIAL ADENOMATOUS POLYPOSIS 1, ATTENUATED. Identifiers: MedGen C2713442, MONDO:0021056, OMIM 175100. Disease mechanism: loss of function.
Hereditary cancer-predisposing syndrome. Also called: Hereditary Cancer Syndrome; Neoplastic Syndromes, Hereditary; Tumor predisposition; Hereditary neoplastic syndrome. Identifiers: Orphanet 140162, MedGen C0027672, MeSH D009386, MONDO:0015356.

Allele frequency attached by ClinVar (database versions not stated): gnomAD exomes below 0.00001; TOPMed below 0.00001.
gnomAD v4.1: 4 of 1,613,256 alleles (0.00025%); highest among the groups gnomAD compares: African/African-American, 0.0013%; no homozygotes.

Submissions (5):

Labcorp Genetics (formerly Invitae), Labcorp
Classification: Uncertain significance for Familial adenomatous polyposis 1. Last evaluated: 2025-11-10. Review status: criteria provided, single submitter. Criteria: Invitae Variant Classification Sherloc (09022015). Collection method: clinical testing. Allele origin: germline.
Comment: This sequence change replaces serine, which is neutral and polar, with cysteine, which is neutral and slightly polar, at codon 521 of the APC protein (p.Ser521Cys). This variant is not present in population databases (gnomAD no frequency). This variant has not been reported in the literature in individuals affected with APC-related conditions. ClinVar contains an entry for this variant (Variation ID: 490214). Invitae Evidence Modeling of protein sequence and biophysical properties (such as structural, functional, and spatial information, amino acid conservation, physicochemical variation, residue mobility, and thermodynamic stability) indicates that this missense variant is not expected to disrupt APC protein function with a negative predictive value of 95%. RNA analysis performed to evaluate the impact of this missense change on mRNA splicing indicates it does not significantly alter splicing (internal data). In summary, the available evidence is currently insufficient to determine the role of this variant in disease. Therefore, it has been classified as a Variant of Uncertain Significance.

Institute for Biomarker Research, Medical Diagnostic Laboratories, L.L.C.
Classification: Uncertain significance for Hereditary cancer-predisposing syndrome. Last evaluated: 2025-10-14. Review status: criteria provided, single submitter. Criteria: ACMG Guidelines, 2015. Collection method: clinical testing. Allele origin: germline.
Comment: The missense variant NM_000038.6(APC):c.1562C>G (p.Ser521Cys) has not been reported previously as a pathogenic variant nor as a benign variant, to our knowledge. There is a moderate physicochemical difference between serine and cysteine. The p.Ser521Cys missense variant is predicted to be damaging by both SIFT and PolyPhen2. The serine residue at codon 521 of APC is conserved in all mammalian species. The nucleotide c.1562 in APC is predicted conserved by GERP++ and PhyloP across 100 vertebrates. For these reasons, this variant has been classified as Uncertain Significance.

Ambry Genetics
Classification: Uncertain significance for Hereditary cancer-predisposing syndrome. Last evaluated: 2024-09-13. Review status: criteria provided, single submitter. Criteria: Ambry Variant Classification Scheme 2023. Collection method: clinical testing. Allele origin: germline.
Comment: The p.S521C variant (also known as c.1562C>G), located in coding exon 12 of the APC gene, results from a C to G substitution at nucleotide position 1562. The serine at codon 521 is replaced by cysteine, an amino acid with dissimilar properties. This amino acid position is highly conserved in available vertebrate species. Missense alterations in APC are not a common cause of disease (Spier I et al. Genet Med. 2024 Feb;26(2):100992). In addition, in silico predictors for this gene do not accurately predict pathogenicity. Since supporting evidence is limited at this time, the clinical significance of this alteration remains unclear.

Color Diagnostics, LLC DBA Color Health
Classification: Uncertain significance for Hereditary cancer-predisposing syndrome. Last evaluated: 2022-03-18. Review status: criteria provided, single submitter. Criteria: ACMG Guidelines, 2015. Collection method: clinical testing. Allele origin: germline.
Comment: This missense variant replaces serine with cysteine at codon 521 of the APC protein. Computational prediction is inconclusive regarding the impact of this variant on protein structure and function (internally defined REVEL score threshold 0.5 < inconclusive < 0.7, PMID: 27666373). To our knowledge, functional studies have not been reported for this variant. This variant has not been reported in individuals affected with hereditary cancer in the literature. This variant has not been identified in the general population by the Genome Aggregation Database (gnomAD). The available evidence is insufficient to determine the role of this variant in disease conclusively. Therefore, this variant is classified as a Variant of Uncertain Significance.

Illumina Laboratory Services, Illumina
Classification: Uncertain significance for APC-Associated Polyposis Disorders. Last evaluated: 2018-01-13. Review status: criteria provided, single submitter. Criteria: ICSL Variant Classification Criteria 13 December 2019. Collection method: clinical testing. Allele origin: germline.